The following is an entry in ClinVar:

ClinVar aggregate classification (germline): Pathogenic/Likely pathogenic. Review status: criteria provided, multiple submitters, no conflicts (2 of 4 stars). 7 submissions from 7 submitters: Pathogenic (3); Likely pathogenic (2). 2 of the submissions do not count toward it. Last evaluated 2026-05-22.

Conditions:
Pseudohermaphroditism. Identifiers: MedGen C0033804, MONDO:0005518.
Inborn genetic diseases. Identifiers: MedGen C0950123, MeSH D030342.
Testosterone 17-beta-dehydrogenase deficiency. Also called: 46,XY disorder of sex development due to 17-beta-hydroxysteroid dehydrogenase 3 deficiency; 17 alpha ketosteroid reductase deficiency of testis; 17 alpha KSR deficiency; Neutral 17 beta hydroxysteroid oxidoreductase deficiency; Male pseudoherma-phroditism with gynecomastia; 17-beta hydroxysteroid dehydrogenase 3 deficiency. Identifiers: Orphanet 752, MedGen C0268296, MONDO:0009916, OMIM 264300. Disease mechanism: loss of function.

Allele frequency attached by ClinVar (database versions not stated): TOPMed 0.00001.
gnomAD v4.1: 19 of 1,614,010 alleles (0.0012%); highest among the groups gnomAD compares: Admixed American, 0.0033%; no homozygotes.

Submissions (8):

Kasturba Medical College, Manipal, Kasturba Medical College, Manipal, Manipal Academy of Higher Education, Manipal, India
Classification: Likely pathogenic for Testosterone 17-beta-dehydrogenase deficiency. Last evaluated: 2026-05-22. Review status: criteria provided, single submitter. Criteria: ACMG Guidelines, 2015. Collection method: research. Allele origin: biparental. Inheritance: Autosomal recessive inheritance. Affected: yes. Observed: 1 variant allele, 1 homozygote.
Comment: The variant c.608C>T has been observed in heterozygous state in nineteen individuals in gnomAD (v4.0) population database (allele frequency: 0.000001177). This variant is absent in our in-house data of 4246 exomes. In-silico analysis tools (REVEL and CADD-phred) predicts the variant to be disease-causing and likely to affect the HSD17B3 protein function.

GeneDx
Classification: Pathogenic. Last evaluated: 2025-10-28. Review status: criteria provided, single submitter. Criteria: GeneDx Variant Classification Process June 2021. Collection method: clinical testing. Allele origin: germline. Affected: yes.
Comment: Published functional studies demonstrate loss of enzymatic activity (PMID: 8075637); In silico analysis suggests that this missense variant does not alter protein structure/function; This variant is associated with the following publications: (PMID: 23295294, 25525159, 8075637, 8550739, 25536660, 18296911, 31589614, 25740850, 36077423, 27163392, 35134971)

Dasa
Classification: Likely pathogenic for 46,XY disorder of sex development due to 17-beta-hydroxysteroid dehydrogenase 3 deficiency. Last evaluated: 2025-05-28. Review status: criteria provided, single submitter. Criteria: DASA Assertion Criteria. Collection method: clinical testing. Allele origin: germline.
Comment: NM_000197.2(HSD17B3):c.608C>T (p.Ala203Val) is a missense variant that results in the substitution of alanine with valine. This variant has been recurrently observed in individuals with HSD17B3-related disorders (PMID: 23295294; PMID: 25740850; PMID: 27163392). Functional evidence supports an impact on the gene or gene product (PMID: 23295294; PMID: 25740850; PMID: 27163392; PMID: 8075637). Also, this variant is rare in population databases. Computational evidence supports a deleterious effect. Based on the currently available evidence, this variant is classified as likely pathogenic.

Labcorp Genetics (formerly Invitae), Labcorp
Classification: Pathogenic. Last evaluated: 2025-02-28. Review status: criteria provided, single submitter. Criteria: Invitae Variant Classification Sherloc (09022015). Collection method: clinical testing. Allele origin: germline.
Comment: This sequence change replaces alanine, which is neutral and non-polar, with valine, which is neutral and non-polar, at codon 203 of the HSD17B3 protein (p.Ala203Val). This variant is present in population databases (rs119481076, gnomAD 0.009%). This missense change has been observed in individuals with 17-beta-hydroxysteroid dehydrogenase type 3 deficiency (PMID: 8075637, 23295294, 25740850, 27163392). ClinVar contains an entry for this variant (Variation ID: 4875). An algorithm developed to predict the effect of missense changes on protein structure and function (PolyPhen-2) suggests that this variant is likely to be tolerated. Experimental studies have shown that this missense change affects HSD17B3 function (PMID: 8075637). For these reasons, this variant has been classified as Pathogenic.

Ambry Genetics
Classification: Pathogenic for Inborn genetic diseases. Last evaluated: 2016-04-26. Review status: criteria provided, single submitter. Criteria: Ambry exome assertion method (8-5-2015). Collection method: clinical testing. Allele origin: germline. Affected: yes. Observed: 1 variant allele.

Clinical Molecular Genetics Laboratory, Johns Hopkins All Children's Hospital
Classification: Pathogenic for Pseudohermaphroditism. Last evaluated: 2015-01-23. Review status: no assertion criteria provided. Collection method: clinical testing. Allele origin: germline. Affected: yes. Not counted in ClinVar's aggregate classification.

OMIM
Classification: Pathogenic for 17-BETA HYDROXYSTEROID DEHYDROGENASE III DEFICIENCY. Last evaluated: 1994-05-01. Review status: no assertion criteria provided. Collection method: literature only. Allele origin: germline. Not counted in ClinVar's aggregate classification.

Dr. Peter K. Rogan Lab, Western University
No classification provided (evidence only). Condition: Familial cancer of breast. Review status: no classification provided. Collection method: in vitro. Allele origin: not applicable. Functional consequence: retained intron. Not counted in ClinVar's aggregate classification.

Literature cited by the submitters: PubMed 36077423 (cited by Kasturba Medical College, Manipal, Kasturba Medical College, Manipal, Manipal Academy of Higher Education, Manipal, India); PubMed 23295294 (cited by Dasa and Labcorp Genetics (formerly Invitae), Labcorp); PubMed 25740850 (cited by Dasa and Labcorp Genetics (formerly Invitae), Labcorp); PubMed 27163392 (cited by Dasa and Labcorp Genetics (formerly Invitae), Labcorp); PubMed 8075637 (cited by 3 submitters).

NM_000197.2(HSD17B3):c.608C>T (p.Ala203Val)

Genes: HSD17B3 (hydroxysteroid 17-beta dehydrogenase 3; minus strand), SLC35D2-HSD17B3 (SLC35D2-HSD17B3 readthrough; minus strand). Cytogenetic location: 9q22.32.
Variant type: single nucleotide variant.
Coding change: c.608C>T on transcript NM_000197.2 (MANE Select); coding-DNA position 608, C replaced by T.
Protein change: p.Ala203Val; replaces alanine 203 with valine.
Molecular consequence: missense variant.
Genome position (GRCh38, 1-based): chr9:96,244,393, G>A on the plus strand (C>T on the coding strand, the complement: HSD17B3 is on the minus strand). VCF-style: chr9-96244393-G-A. GRCh37 (hg19) VCF-style: chr9-99006675-G-A.
Other names: short protein forms A203V.
Identifiers: ClinVar variation 4875 (VCV000004875.16), dbSNP rs119481076, ClinGen allele CA117113.